The following is an entry in ClinVar:

NM_000059.4(BRCA2):c.8429G>A (p.Ser2810Asn)

Gene: BRCA2 (BRCA2 DNA repair associated; plus strand). Cytogenetic location: 13q13.1.
Variant type: single nucleotide variant.
Coding change: c.8429G>A on transcript NM_000059.4 (MANE Select); coding-DNA position 8429, G replaced by A.
Protein change: p.Ser2810Asn; replaces serine 2810 with asparagine.
Molecular consequence: missense variant.
Genome position (GRCh38, 1-based): chr13:32,370,499, G>A. VCF-style: chr13-32370499-G-A. GRCh37 (hg19) VCF-style: chr13-32944636-G-A.
Other names: short protein forms S2810N.
Identifiers: ClinVar variation 1172192 (VCV001172192.7), dbSNP rs2072821561, ClinGen allele CA387752542.

ClinVar aggregate classification (germline): Conflicting classifications of pathogenicity. Review status: criteria provided, conflicting classifications (1 of 4 stars). 4 submissions from 4 submitters: Uncertain significance (3); Likely benign (1). Last evaluated 2025-05-08.

Conditions:
Hereditary cancer-predisposing syndrome. Also called: Tumor predisposition; Hereditary neoplastic syndrome; Hereditary Cancer Syndrome; Neoplastic Syndromes, Hereditary. Identifiers: Orphanet 140162, MedGen C0027672, MeSH D009386, MONDO:0015356.
Familial cancer of breast. Also called: hereditary breast carcinoma; Hereditary breast cancer; BREAST CANCER, FAMILIAL. Identifiers: Orphanet 227535, MedGen C0346153, MONDO:0016419, OMIM 114480. Disease mechanism: loss of function.

Allele frequency attached by ClinVar (database versions not stated): gnomAD exomes below 0.00001.
gnomAD v4.1: 2 of 1,614,018 alleles (0.00012%); highest among the groups gnomAD compares: Non-Finnish European, 0.000085%; no homozygotes.

Submissions (4):

Ambry Genetics
Classification: Likely benign for Hereditary cancer-predisposing syndrome. Last evaluated: 2025-05-08. Review status: criteria provided, single submitter. Criteria: Ambry Variant Classification Scheme 2023. Collection method: clinical testing. Allele origin: germline.

Baylor Genetics
Classification: Uncertain significance for Familial cancer of breast. Last evaluated: 2023-09-14. Review status: criteria provided, single submitter. Criteria: ACMG Guidelines, 2015. Collection method: clinical testing. Allele origin: unknown.

GeneDx
Classification: Uncertain significance. Last evaluated: 2022-09-23. Review status: criteria provided, single submitter. Criteria: GeneDx Variant Classification Process June 2021. Collection method: clinical testing. Allele origin: germline. Affected: yes.
Comment: Not observed at significant frequency in large population cohorts (gnomAD); In silico analysis supports that this missense variant does not alter protein structure/function; Has not been previously published as pathogenic or benign to our knowledge; This variant is associated with the following publications: (PMID: 12228710)

Color Diagnostics, LLC DBA Color Health
Classification: Uncertain significance for Hereditary cancer-predisposing syndrome. Last evaluated: 2021-01-26. Review status: criteria provided, single submitter. Criteria: ACMG Guidelines, 2015. Collection method: clinical testing. Allele origin: germline.
Comment: This missense variant replaces serine with asparagine at codon 2810 of the BRCA2 protein. Computational prediction suggests that this variant may not impact protein structure and function (internally defined REVEL score threshold <= 0.5, PMID: 27666373). To our knowledge, functional studies have not been reported for this variant. This variant has not been reported in individuals affected with hereditary cancer in the literature. This variant has not been identified in the general population by the Genome Aggregation Database (gnomAD). The available evidence is insufficient to determine the role of this variant in disease conclusively. Therefore, this variant is classified as a Variant of Uncertain Significance.